The following is an entry in ClinVar:

ClinVar aggregate classification (germline): Likely benign. Review status: criteria provided, multiple submitters, no conflicts (2 of 4 stars). 2 submissions from 2 submitters: Likely benign (2). Last evaluated 2026-09-09.

Conditions:
KIF1A-related disorder. Also called: KIF1A-related disorders; KIF1A-related condition.
Neuropathy, hereditary sensory, type 2C. Also called: KIF1A-Related HSAN2 (HSAN2C); Hereditary sensory and autonomic neuropathy type IIC. Identifiers: Orphanet 970, MedGen C3280168, MONDO:0013634, OMIM 614213.
Intellectual disability, autosomal dominant 9 (NESCAVS). Also called: KIF1A-Related Neurodevelopmental Disorder; NESCAV SYNDROME. Identifiers: Orphanet 662367, MedGen C5393830, MONDO:0013656, OMIM 614255.
Hereditary spastic paraplegia 30. Identifiers: Orphanet 101010, MedGen C5235139, MONDO:0012476.

gnomAD v4.1: 3 of 1,612,166 alleles (0.00019%); highest among the groups gnomAD compares: Admixed American, 0.005%; no homozygotes.

Submissions (2):

PreventionGenetics, part of Exact Sciences
Classification: Likely benign for KIF1A-related condition. Last evaluated: 2026-09-09. Review status: criteria provided, single submitter. Criteria: ACMG Guidelines, 2015. Collection method: clinical testing. Allele origin: germline.
Comment: This variant is classified as likely benign based on ACMG/AMP sequence variant interpretation guidelines (Richards et al. 2015 PMID: 25741868, with internal and published modifications).

Labcorp Genetics (formerly Invitae), Labcorp
Classification: Likely benign for Hereditary spastic paraplegia 30; Neuropathy, hereditary sensory, type 2C; Intellectual disability, autosomal dominant 9. Last evaluated: 2025-07-23. Review status: criteria provided, single submitter. Criteria: Invitae Variant Classification Sherloc (09022015). Collection method: clinical testing. Allele origin: germline.

NM_001244008.2(KIF1A):c.3363C>T (p.Phe1121=)

Gene: KIF1A (kinesin family member 1A; minus strand). Cytogenetic location: 2q37.3.
Variant type: single nucleotide variant.
Coding change: c.3363C>T on transcript NM_001244008.2 (MANE Select); coding-DNA position 3363, C replaced by T.
Protein change: p.Phe1121=; no amino-acid change (phenylalanine 1121 retained).
Molecular consequence: synonymous variant.
Genome position (GRCh38, 1-based): chr2:240,745,749, G>A on the plus strand (C>T on the coding strand, the complement: KIF1A is on the minus strand). VCF-style: chr2-240745749-G-A. GRCh37 (hg19) VCF-style: chr2-241685166-G-A.
Other names: c.3087C>T, p.Phe1029= (NM_001320705.2, NM_001330289.2, NM_001379638.1); c.3162C>T, p.Phe1054= (NM_001330290.2, NM_001379634.1, NM_001379635.1 and 1 more transcripts); c.3438C>T, p.Phe1146= (NM_001379631.1); c.3312C>T, p.Phe1104= (NM_001379632.1); c.3336C>T, p.Phe1112= (NM_001379633.1, NM_001379642.1, NM_001379645.1); c.3060C>T, p.Phe1020= (NM_001379636.1, NM_001379639.1, NM_001379641.1 and 5 more transcripts); c.3135C>T, p.Phe1045= (NM_001379637.1, NM_001379648.1); c.3057C>T, p.Phe1019= (NM_001379640.1).
Identifiers: ClinVar variation 3762626 (VCV003762626.3).
Genomic context (GRCh38, chr2:240,745,749, plus strand): 5'-GCACAGAGTCCCTGCGCAGCGCAGGGACACAAAGGCAGCAGGGCCTCACTTGAACTGGCA[G>A]AAGATGTCGGCATATTCGGCAGAGATGCTGGACGCCTGCAGGACTGTCACACGGAAGGTG-3'
Protein context (NP_001230937.1, residues 1111-1131): SSISAEYADI[Phe1121=]CQFNFIHRHD